The following is an entry in ClinVar:

NM_080424.4(SP110):c.1502A>G (p.Glu501Gly)

Gene: SP110 (SP110 nuclear body protein; minus strand). Cytogenetic location: 2q37.1.
Variant type: single nucleotide variant.
Coding change: c.1502A>G on transcript NM_080424.4 (MANE Select); coding-DNA position 1502, A replaced by G.
Protein change: p.Glu501Gly; replaces glutamic acid 501 with glycine.
Molecular consequence: missense variant.
Genome position (GRCh38, 1-based): chr2:230,177,626, T>C on the plus strand (A>G on the coding strand, the complement: SP110 is on the minus strand). VCF-style: chr2-230177626-T-C. GRCh37 (hg19) VCF-style: chr2-231042342-T-C.
Other names: c.1520A>G, p.Glu507Gly (NM_001185015.2, NM_001378442.1, NM_001378444.1 and 2 more transcripts); c.1502A>G, p.Glu501Gly (NM_001378443.1, NM_004509.5, NM_004510.4); c.1352A>G, p.Glu451Gly (NM_001378447.1); short protein forms E501G, E451G, E507G.
Identifiers: ClinVar variation 957020 (VCV000957020.9), dbSNP rs2041925691, ClinGen allele CA350903269.

ClinVar aggregate classification (germline): Uncertain significance (1 of 4 stars; one submission).

Conditions:
Hepatic veno-occlusive disease-immunodeficiency syndrome. Also called: Hepatic Veno-Occlusive Disease with Immunodeficiency. Identifiers: Orphanet 79124, MedGen C1856128, MONDO:0009338, OMIM 235550. Disease mechanism: loss of function.

Allele frequency attached by ClinVar (database versions not stated): gnomAD exomes 0.00001.
gnomAD v4.1: 3 of 1,614,134 alleles (0.00019%); highest among the groups gnomAD compares: Non-Finnish European, 0.00025%; no homozygotes.

Submission:

Labcorp Genetics (formerly Invitae), Labcorp
Classification: Uncertain significance for Hepatic veno-occlusive disease-immunodeficiency syndrome. Last evaluated: 2019-09-09. Review status: criteria provided, single submitter. Criteria: Invitae Variant Classification Sherloc (09022015). Collection method: clinical testing. Allele origin: germline.
Comment: This sequence change replaces glutamic acid with glycine at codon 501 of the SP110 protein (p.Glu501Gly). The glutamic acid residue is highly conserved and there is a moderate physicochemical difference between glutamic acid and glycine. This variant is not present in population databases (ExAC no frequency). This variant has not been reported in the literature in individuals with SP110-related conditions. Algorithms developed to predict the effect of missense changes on protein structure and function are either unavailable or do not agree on the potential impact of this missense change (SIFT: "Deleterious"; PolyPhen-2: "Probably Damaging"; Align-GVGD: "Class C0"). In summary, the available evidence is currently insufficient to determine the role of this variant in disease. Therefore, it has been classified as a Variant of Uncertain Significance.